The following is an entry in ClinVar:

ClinVar aggregate classification (germline): Conflicting classifications of pathogenicity. Review status: criteria provided, conflicting classifications (1 of 4 stars). 2 submissions from 2 submitters: Uncertain significance (1); Likely benign (1). Last evaluated 2026-06-01.

Conditions:
Predisposition to Wilms tumor.

Allele frequency attached by ClinVar (database versions not stated): ExAC 0.00001; gnomAD exomes 0.00001; TOPMed 0.00006; gnomAD 0.00008.

Submissions (2):

CeGaT Center for Human Genetics Tuebingen
Classification: Likely benign. Last evaluated: 2026-06-01. Review status: criteria provided, single submitter. Criteria: CeGaT Center For Human Genetics Tuebingen Variant Classification Criteria Version 2. Collection method: clinical testing. Allele origin: germline. Affected: yes. Observed: 2 variant alleles.
Comment: CTR9: BS2

St. Jude Molecular Pathology, St. Jude Children's Research Hospital
Classification: Uncertain significance for Predisposition to Wilms tumor. Last evaluated: 2023-01-25. Review status: criteria provided, single submitter. Criteria: St. Jude Assertion Criteria 2020. Collection method: clinical testing. Allele origin: germline.
Comment: The CTR9 c.2380A>G (p.Ser794Gly) missense change has a maximum subpopulation frequency of 0.017% in gnomAD v2.1.1. The in silico tool REVEL predicts a benign effect on protein function, but to our knowledge this prediction has not been confirmed by functional studies. To our knowledge, this variant has not been reported in the literature in individuals with a personal and/or family history of Wilms tumor.  In summary, the evidence currently available is insufficient to determine the clinical significance of this variant. It has therefore been classified as of uncertain significance.

NM_014633.5(CTR9):c.2380A>G (p.Ser794Gly)

Gene: CTR9 (CTR9 component of Paf1/RNA polymerase II complex; plus strand). Cytogenetic location: 11p15.4.
Variant type: single nucleotide variant.
Coding change: c.2380A>G on transcript NM_014633.5 (MANE Select); coding-DNA position 2380, A replaced by G.
Protein change: p.Ser794Gly; replaces serine 794 with glycine.
Molecular consequence: missense variant. On other transcripts: intron variant (1).
Genome position (GRCh38, 1-based): chr11:10,771,552, A>G. VCF-style: chr11-10771552-A-G. GRCh37 (hg19) VCF-style: chr11-10793099-A-G.
Other names: c.2372+920A>G (NM_001346279.2); short protein forms S794G.
Identifiers: ClinVar variation 2444870 (VCV002444870.5), dbSNP rs547428593, ClinGen allele CA5885315.